The following is an entry in ClinVar:

NM_001382567.1(STIM1):c.1790G>A (p.Gly597Glu)

Gene: STIM1 (stromal interaction molecule 1; plus strand). Cytogenetic location: 11p15.4.
Variant type: single nucleotide variant.
Coding change: c.1790G>A on transcript NM_001382567.1 (MANE Select); coding-DNA position 1790, G replaced by A.
Protein change: p.Gly597Glu; replaces glycine 597 with glutamic acid.
Molecular consequence: missense variant. On other transcripts: non-coding transcript variant (3), 3 prime UTR variant (4).
Genome position (GRCh38, 1-based): chr11:4,091,437, G>A. VCF-style: chr11-4091437-G-A. GRCh37 (hg19) VCF-style: chr11-4112667-G-A.
Other names: c.2015G>A, p.Gly672Glu (NM_001277961.3); c.*111G>A (NM_001277962.2, NM_001382578.1, NM_001382579.1 and 1 more transcripts); c.1793G>A, p.Gly598Glu (NM_001382566.1); c.1718G>A, p.Gly573Glu (NM_001382568.1); c.1562G>A, p.Gly521Glu (NM_001382569.1); c.1469G>A, p.Gly490Glu (NM_001382570.1); c.1217G>A, p.Gly406Glu (NM_001382571.1); c.1475G>A, p.Gly492Glu (NM_001382575.1, NM_001382576.1, NM_001382577.1); and 2 more; short protein forms G403E, G490E, G521E, G672E, G406E, G492E, G566E, G573E.
Identifiers: ClinVar variation 2943403 (VCV002943403.3), dbSNP rs763113323, ClinGen allele CA5830615.

ClinVar aggregate classification (germline): Uncertain significance (1 of 4 stars; one submission).

Conditions:
Stormorken syndrome (STRMK). Also called: THROMBOCYTOPATHY, ASPLENIA, AND MIOSIS. Identifiers: Orphanet 3204, MedGen C1861451, MONDO:0008497, OMIM 185070.
Combined immunodeficiency due to STIM1 deficiency. Also called: IMMUNODEFICIENCY 10; STIM1 DEFICIENCY. Identifiers: Orphanet 169090, Orphanet 317430, MedGen C2748557, MONDO:0013008, OMIM 612783.
Myopathy with tubular aggregates (TAM). Also called: Tubular Aggregate Myopathy. Identifiers: Orphanet 2593, MedGen C0410207, MONDO:0008051.

Allele frequency attached by ClinVar (database versions not stated): ExAC 0.00001.
gnomAD v4.1: 1 of 1,614,198 alleles (0.000062%); highest among the groups gnomAD compares: Non-Finnish European, 0.000085%; no homozygotes.

Submission:

Labcorp Genetics (formerly Invitae), Labcorp
Classification: Uncertain significance for Myopathy with tubular aggregates; Combined immunodeficiency due to STIM1 deficiency; Stormorken syndrome. Last evaluated: 2023-10-06. Review status: criteria provided, single submitter. Criteria: Invitae Variant Classification Sherloc (09022015). Collection method: clinical testing. Allele origin: germline.
Comment: This sequence change replaces glycine, which is neutral and non-polar, with glutamic acid, which is acidic and polar, at codon 566 of the STIM1 protein (p.Gly566Glu). This variant is present in population databases (rs763113323, gnomAD 0.0009%). This variant has not been reported in the literature in individuals affected with STIM1-related conditions. Advanced modeling of protein sequence and biophysical properties (such as structural, functional, and spatial information, amino acid conservation, physicochemical variation, residue mobility, and thermodynamic stability) performed at Invitae indicates that this missense variant is expected to disrupt STIM1 protein function. In summary, the available evidence is currently insufficient to determine the role of this variant in disease. Therefore, it has been classified as a Variant of Uncertain Significance.